The following is an entry in ClinVar:

NM_130839.5(UBE3A):c.242A>G (p.Asp81Gly)

Genes: SNHG14 (small nucleolar RNA host gene 14; plus strand), UBE3A (ubiquitin protein ligase E3A; minus strand). Cytogenetic location: 15q11.2.
Variant type: single nucleotide variant.
Coding change: c.242A>G on transcript NM_130839.5 (MANE Select); coding-DNA position 242, A replaced by G.
Protein change: p.Asp81Gly; replaces aspartic acid 81 with glycine.
Molecular consequence: missense variant. On other transcripts: non-coding transcript variant (1).
Genome position (GRCh38, 1-based): chr15:25,375,584, T>C on the plus strand (A>G on the coding strand, the complement: UBE3A is on the minus strand). VCF-style: chr15-25375584-T-C. GRCh37 (hg19) VCF-style: chr15-25620731-T-C.
Other names: c.182A>G, p.Asp61Gly (NM_001354551.2, NM_001374461.1, NM_130838.4 and 18 more transcripts); c.251A>G, p.Asp84Gly (NM_000462.5); c.242A>G, p.Asp81Gly (NM_001354505.1, NM_001354538.2, NM_001354545.2 and 1 more transcripts); c.65A>G, p.Asp22Gly (NM_001354546.2); short protein forms D22G, D61G, D81G, D84G.
Identifiers: ClinVar variation 2500456 (VCV002500456.1), dbSNP rs2552193034, ClinGen allele CA391356311.

ClinVar aggregate classification (germline): Uncertain significance (1 of 4 stars; one submission).

Submission:

GeneDx
Classification: Uncertain significance. Last evaluated: 2022-11-01. Review status: criteria provided, single submitter. Criteria: GeneDx Variant Classification Process June 2021. Collection method: clinical testing. Allele origin: germline. Affected: yes.
Comment: Not observed at significant frequency in large population cohorts (gnomAD); In silico analysis supports that this missense variant has a deleterious effect on protein structure/function; Has not been previously published as pathogenic or benign to our knowledge